The following is an entry in ClinVar:

NM_004612.4(TGFBR1):c.1064C>A (p.Ala355Glu)

Gene: TGFBR1 (transforming growth factor beta receptor 1; plus strand). Cytogenetic location: 9q22.33.
Variant type: single nucleotide variant.
Coding change: c.1064C>A on transcript NM_004612.4 (MANE Select); coding-DNA position 1064, C replaced by A.
Protein change: p.Ala355Glu; replaces alanine 355 with glutamic acid.
Molecular consequence: missense variant.
Genome position (GRCh38, 1-based): chr9:99,144,822, C>A. VCF-style: chr9-99144822-C-A. GRCh37 (hg19) VCF-style: chr9-101907104-C-A.
Other names: p.Ala355Glu; c.833C>A, p.Ala278Glu (NM_001130916.3, NM_001407435.1); c.1076C>A, p.Ala359Glu (NM_001306210.2); c.908C>A, p.Ala303Glu (NM_001407416.1); c.896C>A, p.Ala299Glu (NM_001407417.1); c.869C>A, p.Ala290Glu (NM_001407418.1, NM_001407419.1, NM_001407420.1 and 1 more transcripts); c.857C>A, p.Ala286Glu (NM_001407423.1, NM_001407424.1, NM_001407425.1 and 8 more transcripts); c.818C>A, p.Ala273Glu (NM_001407436.1); and 2 more; short protein forms A119E, A196E, A273E, A290E, A299E, A303E, A355E, A278E.
Identifiers: ClinVar variation 1781244 (VCV001781244.6), dbSNP rs2490237511, ClinGen allele CA374231507.

ClinVar aggregate classification (germline): Uncertain significance. Review status: criteria provided, multiple submitters, no conflicts (2 of 4 stars). 3 submissions from 3 submitters: Uncertain significance (3). Last evaluated 2025-09-15.

Conditions:
Familial thoracic aortic aneurysm and aortic dissection (TAAD). Also called: Thoracic aortic aneurysms and dissections. Identifiers: Orphanet 91387, MedGen C4707243, MONDO:0019625.

Submissions (3):

Ambry Genetics
Classification: Uncertain significance for Familial thoracic aortic aneurysm and aortic dissection. Last evaluated: 2025-09-15. Review status: criteria provided, single submitter. Criteria: Ambry Variant Classification Scheme 2023. Collection method: clinical testing. Allele origin: germline.
Comment: The p.A355E variant (also known as c.1064C>A), located in coding exon 6 of the TGFBR1 gene, results from a C to A substitution at nucleotide position 1064. The alanine at codon 355 is replaced by glutamic acid, an amino acid with dissimilar properties. This variant has been observed in at least one individual with a personal and/or family history that is consistent with Loeys-Dietz syndrome (Ambry internal data). This amino acid position is highly conserved in available vertebrate species. In addition, this alteration is predicted to be deleterious by in silico analysis. This variant is considered to be rare based on population cohorts in the Genome Aggregation Database (gnomAD). Since supporting evidence is limited at this time, the clinical significance of this alteration remains unclear.

Labcorp Genetics (formerly Invitae), Labcorp
Classification: Uncertain significance for Familial thoracic aortic aneurysm and aortic dissection. Last evaluated: 2025-07-03. Review status: criteria provided, single submitter. Criteria: Invitae Variant Classification Sherloc (09022015). Collection method: clinical testing. Allele origin: germline.
Comment: This sequence change replaces alanine, which is neutral and non-polar, with glutamic acid, which is acidic and polar, at codon 355 of the TGFBR1 protein (p.Ala355Glu). This variant is not present in population databases (gnomAD no frequency). This missense change has been observed in individual(s) with TGFBR1-related conditions (internal data). ClinVar contains an entry for this variant (Variation ID: 1781244). Invitae Evidence Modeling of protein sequence and biophysical properties (such as structural, functional, and spatial information, amino acid conservation, physicochemical variation, residue mobility, and thermodynamic stability) indicates that this missense variant is expected to disrupt TGFBR1 protein function with a positive predictive value of 80%. This variant disrupts the p.Ala355 amino acid residue in TGFBR1. Other variant(s) that disrupt this residue have been determined to be pathogenic (internal data). This suggests that this residue is clinically significant, and that variants that disrupt this residue are likely to be disease-causing. In summary, the available evidence is currently insufficient to determine the role of this variant in disease. Therefore, it has been classified as a Variant of Uncertain Significance.

Mayo Clinic Laboratories, Mayo Clinic
Classification: Uncertain significance. Last evaluated: 2024-03-27. Review status: criteria provided, single submitter. Criteria: ACMG Guidelines, 2015. Collection method: clinical testing. Allele origin: germline. Observed: 1 variant allele.
Comment: PP2, PP3, PP4, PM2, PS4_supporting